The following is an entry in ClinVar:

NM_021167.5(GATAD1):c.308C>T (p.Ala103Val)

Gene: GATAD1 (GATA zinc finger domain containing 1; plus strand). Cytogenetic location: 7q21.2.
Variant type: single nucleotide variant.
Coding change: c.308C>T on transcript NM_021167.5 (MANE Select); coding-DNA position 308, C replaced by T.
Protein change: p.Ala103Val; replaces alanine 103 with valine.
Molecular consequence: missense variant. On other transcripts: non-coding transcript variant (1).
Genome position (GRCh38, 1-based): chr7:92,448,810, C>T. VCF-style: chr7-92448810-C-T. GRCh37 (hg19) VCF-style: chr7-92078124-C-T.
Other names: c.308C>T (NM_021167.3); short protein forms A103V.
Identifiers: ClinVar variation 857748 (VCV000857748.10), dbSNP rs374329900, ClinGen allele CA4340249.
Genomic context (GRCh38, chr7:92,448,810, plus strand): 5'-AGAGTAAGCAGGAAATTCACAGGAGGTCTGCTCGGCTCAGAAACACTAAATACAAATCTG[C>T]TCCGGCTGCTGAAAAGAAAGTCTCCACCAAAGGAAAAGGGAGAAGACATATATTTAAATT-3'
Protein context (NP_066990.3, residues 93-113): ARLRNTKYKS[Ala103Val]PAAEKKVSTK

ClinVar aggregate classification (germline): Uncertain significance. Review status: criteria provided, multiple submitters, no conflicts (2 of 4 stars). 2 submissions from 2 submitters: Uncertain significance (2). Last evaluated 2025-10-02.

Conditions:
Cardiovascular phenotype. Identifiers: MedGen CN230736.
Dilated cardiomyopathy 2B. Identifiers: Orphanet 154, MedGen C3553409, MONDO:0013848, OMIM 614672.

Allele frequency attached by ClinVar (database versions not stated): TOPMed 0.00003; ExAC 0.00016; gnomAD 0.00004 and 0.00001; 1000 Genomes Project 0.00020; 1000 Genomes Project 30x 0.00031; ESP Exome Variant Server 0.00008; gnomAD exomes 0.00008 and 0.00014.
gnomAD v4.1: 124 of 1,609,160 alleles (0.0077%); highest among the groups gnomAD compares: South Asian, 0.082%; 1 homozygote.

Submissions (2):

Labcorp Genetics (formerly Invitae), Labcorp
Classification: Uncertain significance for Dilated cardiomyopathy 2B. Last evaluated: 2025-10-02. Review status: criteria provided, single submitter. Criteria: Invitae Variant Classification Sherloc (09022015). Collection method: clinical testing. Allele origin: germline.
Comment: This sequence change replaces alanine, which is neutral and non-polar, with valine, which is neutral and non-polar, at codon 103 of the GATAD1 protein (p.Ala103Val). This variant is present in population databases (rs374329900, gnomAD 0.07%), and has an allele count higher than expected for a pathogenic variant. This variant has not been reported in the literature in individuals affected with GATAD1-related conditions. ClinVar contains an entry for this variant (Variation ID: 857748). Invitae Evidence Modeling of protein sequence and biophysical properties (such as structural, functional, and spatial information, amino acid conservation, physicochemical variation, residue mobility, and thermodynamic stability) indicates that this missense variant is not expected to disrupt GATAD1 protein function with a negative predictive value of 80%. In summary, the available evidence is currently insufficient to determine the role of this variant in disease. Therefore, it has been classified as a Variant of Uncertain Significance.

Ambry Genetics
Classification: Uncertain significance for Cardiovascular phenotype. Last evaluated: 2025-09-28. Review status: criteria provided, single submitter. Criteria: Ambry Variant Classification Scheme 2023. Collection method: clinical testing. Allele origin: germline.
Comment: The p.A103V variant (also known as c.308C>T), located in coding exon 2 of the GATAD1 gene, results from a C to T substitution at nucleotide position 308. The alanine at codon 103 is replaced by valine, an amino acid with similar properties. This amino acid position is conserved. In addition, the in silico prediction for this alteration is inconclusive. Since supporting evidence is limited at this time, the clinical significance of this alteration remains unclear.